The following is an entry in ClinVar:

ClinVar aggregate classification (germline): Uncertain significance. Review status: criteria provided, multiple submitters, no conflicts (2 of 4 stars). 2 submissions from 2 submitters: Uncertain significance (2). Last evaluated 2024-06-26.

Submissions (2):

Labcorp Genetics (formerly Invitae), Labcorp
Classification: Uncertain significance. Last evaluated: 2024-06-26. Review status: criteria provided, single submitter. Criteria: Invitae Variant Classification Sherloc (09022015). Collection method: clinical testing. Allele origin: germline.
Comment: This sequence change replaces arginine, which is basic and polar, with tryptophan, which is neutral and slightly polar, at codon 93 of the FGFR3 protein (p.Arg93Trp). Information on the frequency of this variant in the gnomAD database is not available, as this variant may be reported differently in the database. This variant has not been reported in the literature in individuals affected with FGFR3-related conditions. ClinVar contains an entry for this variant (Variation ID: 585298). Experimental studies and prediction algorithms are not available or were not evaluated, and the functional significance of this variant is currently unknown. In summary, the available evidence is currently insufficient to determine the role of this variant in disease. Therefore, it has been classified as a Variant of Uncertain Significance.

MVZ Dr. Eberhard & Partner Dortmund
Classification: Uncertain significance. Last evaluated: 2018-05-15. Review status: criteria provided, single submitter. Criteria: ACMG Guidelines, 2015. Collection method: clinical testing. Allele origin: unknown. Observed: 1 heterozygote.

NM_000142.5(FGFR3):c.276_277delinsAT (p.Arg93Trp)

Gene: FGFR3 (fibroblast growth factor receptor 3; plus strand). Cytogenetic location: 4p16.3.
Variant type: Indel.
Coding change: c.276_277delinsAT on transcript NM_000142.5 (MANE Select); coding-DNA positions 276 to 277, GC replaced by AT.
Protein change: p.Arg93Trp; replaces arginine 93 with tryptophan.
Molecular consequence: missense variant. On other transcripts: non-coding transcript variant (1).
Genome position (GRCh38, 1-based): chr4:1,799,420-1,799,421, GC replaced by AT. VCF-style: chr4-1799420-GC-AT. GRCh37 (hg19) VCF-style: chr4-1801147-GC-AT.
Other names: c.276_277delinsAT, p.Arg93Trp (NM_001163213.2, NM_001354809.2, NM_001354810.2 and 1 more transcripts); short protein forms R93W.
Identifiers: ClinVar variation 585298 (VCV000585298.4), dbSNP rs1560406964, ClinGen allele CA891843343.